The following is an entry in ClinVar:

NM_002470.4(MYH3):c.1063G>A (p.Gly355Arg)

Gene: MYH3 (myosin heavy chain 3; minus strand). Cytogenetic location: 17p13.1.
Variant type: single nucleotide variant.
Coding change: c.1063G>A on transcript NM_002470.4 (MANE Select); coding-DNA position 1063, G replaced by A.
Protein change: p.Gly355Arg; replaces glycine 355 with arginine.
Molecular consequence: missense variant.
Genome position (GRCh38, 1-based): chr17:10,645,785, C>T on the plus strand (G>A on the coding strand, the complement: MYH3 is on the minus strand). VCF-style: chr17-10645785-C-T. GRCh37 (hg19) VCF-style: chr17-10549102-C-T.
Other names: short protein forms G355R.
Identifiers: ClinVar variation 4800682 (VCV004800682.1).

ClinVar aggregate classification (germline): Uncertain significance (1 of 4 stars; one submission).

Submission:

Labcorp Genetics (formerly Invitae), Labcorp
Classification: Uncertain significance. Last evaluated: 2025-11-27. Review status: criteria provided, single submitter. Criteria: Invitae Variant Classification Sherloc (09022015). Collection method: clinical testing. Allele origin: germline.
Comment: This sequence change replaces glycine, which is neutral and non-polar, with arginine, which is basic and polar, at codon 355 of the MYH3 protein (p.Gly355Arg). This variant is not present in population databases (gnomAD no frequency). This variant has not been reported in the literature in individuals affected with MYH3-related conditions. Invitae Evidence Modeling of protein sequence and biophysical properties (such as structural, functional, and spatial information, amino acid conservation, physicochemical variation, residue mobility, and thermodynamic stability) has been performed for this missense variant. However, the output from this modeling did not meet the statistical confidence thresholds required to predict the impact of this variant on MYH3 protein function. In summary, the available evidence is currently insufficient to determine the role of this variant in disease. Therefore, it has been classified as a Variant of Uncertain Significance.